The following is an entry in ClinVar:

ClinVar aggregate classification (germline): Uncertain significance (1 of 4 stars; one submission).

Conditions:
Hereditary cancer-predisposing syndrome. Also called: Hereditary Cancer Syndrome; Neoplastic Syndromes, Hereditary; Tumor predisposition; Hereditary neoplastic syndrome. Identifiers: Orphanet 140162, MedGen C0027672, MeSH D009386, MONDO:0015356.
Cardiovascular phenotype. Identifiers: MedGen CN230736.

Submission:

Ambry Genetics
Classification: Uncertain significance for Cardiovascular phenotype; Hereditary cancer-predisposing syndrome. Last evaluated: 2016-08-31. Review status: criteria provided, single submitter. Criteria: Ambry Variant Classification Scheme 2023. Collection method: clinical testing. Allele origin: germline.
Comment: The p.P2094R variant (also known as c.6281C>G), located in coding exon 41 of the NF1 gene, results from a C to G substitution at nucleotide position 6281. The proline at codon 2094 is replaced by arginine, an amino acid with dissimilar properties. This variant was not reported in population based cohorts in the following databases: Database of Single Nucleotide Polymorphisms (dbSNP), NHLBI Exome Sequencing Project (ESP), and 1000 Genomes Project. In the ESP, this variant was not observed in 6503 samples (13006 alleles) with coverage at this position. To date, this alteration has been detected with an allele frequency of approximately 0.001% (greater than 175000 alleles tested) in our clinical cohort. This amino acid position is highly conserved in available vertebrate species. In addition, this alteration is predicted to be deleterious by in silico analysis. Since supporting evidence is limited at this time, the clinical significance of this alteration remains unclear.

NM_001042492.3(NF1):c.6344C>G (p.Pro2115Arg)

Gene: NF1 (neurofibromin 1; plus strand). Cytogenetic location: 17q11.2.
Variant type: single nucleotide variant.
Coding change: c.6344C>G on transcript NM_001042492.3 (MANE Select); coding-DNA position 6344, C replaced by G.
Protein change: p.Pro2115Arg; replaces proline 2115 with arginine.
Molecular consequence: missense variant.
Genome position (GRCh38, 1-based): chr17:31,336,831, C>G. VCF-style: chr17-31336831-C-G. GRCh37 (hg19) VCF-style: chr17-29663849-C-G.
Other names: c.6281C>G, p.Pro2094Arg (NM_000267.4); short protein forms P2094R, P2115R.
Identifiers: ClinVar variation 480154 (VCV000480154.5), dbSNP rs867091831, ClinGen allele CA399012794.
Genomic context (GRCh38, chr17:31,336,831, plus strand): 5'-ATGTGGCAGCTCATCTTCCCTACCTCTTCCACGTTGTTACTTTCTTAGTAGCCACAGGTC[C>G]GCTCTCCCTTAGAGCTTCCACACATGGACTGGTCATTAATATCATTCACTCTCTGTGTAC-3'
Protein context (NP_001035957.1, residues 2105-2125): HVVTFLVATG[Pro2115Arg]LSLRASTHGL